The following is an entry in ClinVar:

NM_000093.5(COL5A1):c.2140C>T (p.Gln714Ter)

Gene: COL5A1 (collagen type V alpha 1 chain; plus strand). Cytogenetic location: 9q34.3.
Variant type: single nucleotide variant.
Coding change: c.2140C>T on transcript NM_000093.5 (MANE Select); coding-DNA position 2140, C replaced by T.
Protein change: p.Gln714Ter; replaces glutamine 714 with a stop codon.
Molecular consequence: nonsense.
Genome position (GRCh38, 1-based): chr9:134,767,006, C>T. VCF-style: chr9-134767006-C-T. GRCh37 (hg19) VCF-style: chr9-137658852-C-T.
Other names: c.2140C>T, p.Gln714Ter (NM_001278074.1); short protein forms Q714*.
Identifiers: ClinVar variation 451603 (VCV000451603.5), dbSNP rs1554796176, ClinGen allele CA375448083.

ClinVar aggregate classification (germline): Pathogenic/Likely pathogenic. Review status: criteria provided, multiple submitters, no conflicts (2 of 4 stars). 2 submissions from 2 submitters: Pathogenic (1); Likely pathogenic (1). Last evaluated 2019-04-08.

Conditions:
Ehlers-Danlos syndrome, classic type (cEDS). Identifiers: Orphanet 287, MedGen C4225429, MONDO:0007522.

Submissions (2):

Labcorp Genetics (formerly Invitae), Labcorp
Classification: Pathogenic for Ehlers-Danlos syndrome, type 1. Last evaluated: 2019-04-08. Review status: criteria provided, single submitter. Criteria: Invitae Variant Classification Sherloc (09022015). Collection method: clinical testing. Allele origin: germline.
Comment: This sequence change creates a premature translational stop signal (p.Gln714*) in the COL5A1 gene. It is expected to result in an absent or disrupted protein product. This variant is not present in population databases (ExAC no frequency). This variant has not been reported in the literature in individuals with COL5A1-related conditions. ClinVar contains an entry for this variant (Variation ID: 451603). Loss-of-function variants in COL5A1 are known to be pathogenic (PMID: 23587214). For these reasons, this variant has been classified as Pathogenic.

GeneDx
Classification: Likely pathogenic. Last evaluated: 2017-08-23. Review status: criteria provided, single submitter. Criteria: GeneDx Variant Classification (06012015). Collection method: clinical testing. Allele origin: germline. Affected: yes.
Comment: The Q714X variant in the COL5A1 gene has not been reported as a pathogenic or benign to our knowledge. This variant is predicted to cause loss of normal protein function either by protein truncation or nonsense-mediated mRNA decay. Other nonsense variants in the COL5A1 gene have been reported in Human Gene Mutation Database in association with cEDS (Stenson et al., 2014). Furthermore, the Q714X variant is not observed in large population cohorts (Lek et al., 2016; 1000 Genomes Consortium et al., 2015; Exome Variant Server).